The following is an entry in ClinVar:

ClinVar aggregate classification (germline): Pathogenic/Likely pathogenic. Review status: criteria provided, multiple submitters, no conflicts (2 of 4 stars). 3 submissions from 3 submitters: Pathogenic (1); Likely pathogenic (1). 1 of the submissions does not count toward it. Last evaluated 2023-05-10.

Submissions (3):

Revvity Omics, Revvity
Classification: Likely pathogenic. Last evaluated: 2023-05-10. Review status: criteria provided, single submitter. Criteria: ACMG Guidelines, 2015. Collection method: clinical testing. Allele origin: germline.

CeGaT Center for Human Genetics Tuebingen
Classification: Pathogenic. Last evaluated: 2022-09-01. Review status: criteria provided, single submitter. Criteria: CeGaT Center For Human Genetics Tuebingen Variant Classification Criteria Version 2. Collection method: clinical testing. Allele origin: germline. Affected: yes. Observed: 1 variant allele.
Comment: SYNE1: PVS1, PM2

Genetic Services Laboratory, University of Chicago
Classification: Likely pathogenic. Last evaluated: 2022-06-01. Review status: no assertion criteria provided. Collection method: clinical testing. Allele origin: germline. Affected: yes. Not counted in ClinVar's aggregate classification.
Comment: DNA sequence analysis of the SYNE1 gene demonstrated a sequence change, c.15942C>G, that results in the creation of a premature stop codon at amino acid position 5314, p.Tyr5314*. This sequence change is predicted to result in an abnormal transcript, which may be degraded, or may lead to the production of a truncated SYNE1 protein with potentially abnormal function. This sequence change does not appear to have been previously described in individuals with SYNE1-related disorders and has also not been described in population databases such as ExAC and gnomAD. Based on these evidences, this sequence change is classified as likely pathogenic.

NM_182961.4(SYNE1):c.16155C>G (p.Tyr5385Ter)

Gene: SYNE1 (spectrin repeat containing nuclear envelope protein 1; minus strand). Cytogenetic location: 6q25.2.
Variant type: single nucleotide variant.
Coding change: c.16155C>G on transcript NM_182961.4 (MANE Select); coding-DNA position 16155, C replaced by G.
Protein change: p.Tyr5385Ter; replaces tyrosine 5385 with a stop codon.
Molecular consequence: nonsense.
Genome position (GRCh38, 1-based): chr6:152,321,319, G>C on the plus strand (C>G on the coding strand, the complement: SYNE1 is on the minus strand). VCF-style: chr6-152321319-G-C. GRCh37 (hg19) VCF-style: chr6-152642454-G-C.
Other names: c.15942C>G, p.Tyr5314Ter (NM_033071.5); short protein forms Y5314*, Y5385*.
Identifiers: ClinVar variation 1711646 (VCV001711646.34), dbSNP rs747322064, ClinGen allele CA366116938.